The following is an entry in ClinVar:

NM_153460.4(IL17RC):c.105+94G>T

Gene: IL17RC (interleukin 17 receptor C; plus strand). Cytogenetic location: 3p25.3.
Variant type: single nucleotide variant.
Coding change: c.105+94G>T on transcript NM_153460.4 (MANE Select); 94 bases into the intron after coding-DNA position 105, G replaced by T.
Molecular consequence: intron variant. On other transcripts: missense variant (1).
Genome position (GRCh38, 1-based): chr3:9,917,514, G>T. VCF-style: chr3-9917514-G-T. GRCh37 (hg19) VCF-style: chr3-9959198-G-T.
Other names: c.199G>T, p.Ala67Ser (NM_153461.4); c.105+94G>T (NM_001203263.2, NM_001203264.2, NM_001367278.1 and 5 more transcripts); short protein forms A67S.
Identifiers: ClinVar variation 2695582 (VCV002695582.3), dbSNP rs2470072232, ClinGen allele CA351753730.

ClinVar aggregate classification (germline): Uncertain significance (1 of 4 stars; one submission).

Conditions:
Candidiasis, familial, 9 (CANDF9). Identifiers: Orphanet 1334, MedGen C4225324, MONDO:0014642, OMIM 616445.

Allele frequency attached by ClinVar (database versions not stated): gnomAD exomes 0.00001.
gnomAD v4.1: 5 of 1,614,194 alleles (0.00031%); highest among the groups gnomAD compares: Non-Finnish European, 0.00042%; no homozygotes.

Submission:

Labcorp Genetics (formerly Invitae), Labcorp
Classification: Uncertain significance for Candidiasis, familial, 9. Last evaluated: 2024-04-22. Review status: criteria provided, single submitter. Criteria: Invitae Variant Classification Sherloc (09022015). Collection method: clinical testing. Allele origin: germline.
Comment: This sequence change replaces alanine, which is neutral and non-polar, with serine, which is neutral and polar, at codon 67 of the IL17RC protein (p.Ala67Ser). This variant is not present in population databases (gnomAD no frequency). This variant has not been reported in the literature in individuals affected with IL17RC-related conditions. Algorithms developed to predict the effect of missense changes on protein structure and function output the following: SIFT: "Not Available"; PolyPhen-2: "Benign"; Align-GVGD: "Not Available". The serine amino acid residue is found in multiple mammalian species, which suggests that this missense change does not adversely affect protein function. In summary, the available evidence is currently insufficient to determine the role of this variant in disease. Therefore, it has been classified as a Variant of Uncertain Significance.